The following is an entry in ClinVar:

ClinVar aggregate classification (germline): Uncertain significance (1 of 4 stars; one submission).

Submission:

GeneDx
Classification: Uncertain significance. Last evaluated: 2024-04-12. Review status: criteria provided, single submitter. Criteria: GeneDx Variant Classification Process June 2021. Collection method: clinical testing. Allele origin: germline. Affected: yes.
Comment: Not observed at significant frequency in large population cohorts (gnomAD); In silico analysis indicates that this missense variant does not alter protein structure/function; Has not been previously published as pathogenic or benign to our knowledge

NM_018896.5(CACNA1G):c.1676C>G (p.Ala559Gly)

Gene: CACNA1G (calcium voltage-gated channel subunit alpha1 G; plus strand). Cytogenetic location: 17q21.33.
Variant type: single nucleotide variant.
Coding change: c.1676C>G on transcript NM_018896.5 (MANE Select); coding-DNA position 1676, C replaced by G.
Protein change: p.Ala559Gly; replaces alanine 559 with glycine.
Molecular consequence: missense variant. On other transcripts: non-coding transcript variant (5).
Genome position (GRCh38, 1-based): chr17:50,576,078, C>G. VCF-style: chr17-50576078-C-G. GRCh37 (hg19) VCF-style: chr17-48653439-C-G.
Other names: c.1676C>G, p.Ala559Gly (NM_001256324.2, NM_001256325.2, NM_001256326.2 and 24 more transcripts); short protein forms A559G.
Identifiers: ClinVar variation 3372508 (VCV003372508.1).